The following is an entry in ClinVar:

NM_004820.5(CYP7B1):c.733A>G (p.Ile245Val)

Gene: CYP7B1 (cytochrome P450 family 7 subfamily B member 1; minus strand). Cytogenetic location: 8q12.3.
Variant type: single nucleotide variant.
Coding change: c.733A>G on transcript NM_004820.5 (MANE Select); coding-DNA position 733, A replaced by G.
Protein change: p.Ile245Val; replaces isoleucine 245 with valine.
Molecular consequence: missense variant.
Genome position (GRCh38, 1-based): chr8:64,615,808, T>C on the plus strand (A>G on the coding strand, the complement: CYP7B1 is on the minus strand). VCF-style: chr8-64615808-T-C. GRCh37 (hg19) VCF-style: chr8-65528365-T-C.
Other names: p.Ile245Val; c.733A>G, p.Ile245Val (NM_001324112.2); short protein forms I245V.
Identifiers: ClinVar variation 3379823 (VCV003379823.1).
Genomic context (GRCh38, chr8:64,615,808, plus strand): 5'-GAAAAACTTCTGACCATCCTTGCATCTTGGCTAACTTTTCTGATGAGAAGCATTTTATAA[T>C]TTTCTCTCTAATAGACTTGACATTTCCTAGAAGCTCAATGGGTATGTTGGATACTAAATA-3'
Protein context (NP_004811.1, residues 235-255): LGNVKSIREK[Ile245Val]IKCFSSEKLA

ClinVar aggregate classification (germline): Uncertain significance (1 of 4 stars; one submission).

Submission:

Mayo Clinic Laboratories, Mayo Clinic
Classification: Uncertain significance. Last evaluated: 2024-08-06. Review status: criteria provided, single submitter. Criteria: ACMG Guidelines, 2015. Collection method: clinical testing. Allele origin: germline. Observed: 1 variant allele.
Comment: BP4, PM2